The following is an entry in ClinVar:

NM_020247.5(COQ8A):c.1237G>A (p.Ala413Thr)

Gene: COQ8A (coenzyme Q8A; plus strand). Cytogenetic location: 1q42.13.
Variant type: single nucleotide variant.
Coding change: c.1237G>A on transcript NM_020247.5 (MANE Select); coding-DNA position 1237, G replaced by A.
Protein change: p.Ala413Thr; replaces alanine 413 with threonine.
Molecular consequence: missense variant.
Genome position (GRCh38, 1-based): chr1:226,983,835, G>A. VCF-style: chr1-226983835-G-A. GRCh37 (hg19) VCF-style: chr1-227171536-G-A.
Other names: c.1237G>A (NM_020247.4); short protein forms A413T.
Identifiers: ClinVar variation 1503406 (VCV001503406.8), dbSNP rs751932768, ClinGen allele CA1425374.
Genomic context (GRCh38, chr1:226,983,835, plus strand): 5'-CACCTGATCGACGTGCTGAGGCGGGAGCTGGCCCTGGAGTGTGACTACCAGCGAGAGGCC[G>A]CCTGTGCCCGCAAGTTCAGGTGTGGCCCCCGGCCGGGCCCCTTGCGTGTTTGCACCAGGG-3'
Protein context (NP_064632.2, residues 403-423): ALECDYQREA[Ala413Thr]CARKFRDLLK

ClinVar aggregate classification (germline): Uncertain significance. Review status: criteria provided, multiple submitters, no conflicts (2 of 4 stars). 3 submissions from 3 submitters: Uncertain significance (3). Last evaluated 2025-07-06.

Allele frequency attached by ClinVar (database versions not stated): TOPMed 0.00004; ExAC 0.00007; gnomAD exomes 0.00008 and 0.00004; 1000 Genomes Project 30x 0.00016; gnomAD 0.00004.
gnomAD v4.1: 57 of 1,610,870 alleles (0.0035%); highest among the groups gnomAD compares: East Asian, 0.038%; no homozygotes.

Submissions (3):

GeneDx
Classification: Uncertain significance. Last evaluated: 2025-07-06. Review status: criteria provided, single submitter. Criteria: GeneDx Variant Classification Process June 2021. Collection method: clinical testing. Allele origin: germline. Affected: yes.
Comment: In silico analysis suggests that this missense variant does not alter protein structure/function; Has not been previously published as pathogenic or benign to our knowledge

Labcorp Genetics (formerly Invitae), Labcorp
Classification: Uncertain significance. Last evaluated: 2024-01-24. Review status: criteria provided, single submitter. Criteria: Invitae Variant Classification Sherloc (09022015). Collection method: clinical testing. Allele origin: germline.
Comment: This sequence change replaces alanine, which is neutral and non-polar, with threonine, which is neutral and polar, at codon 413 of the COQ8A protein (p.Ala413Thr). This variant is present in population databases (rs751932768, gnomAD 0.03%). This variant has not been reported in the literature in individuals affected with COQ8A-related conditions. ClinVar contains an entry for this variant (Variation ID: 1503406). Advanced modeling of protein sequence and biophysical properties (such as structural, functional, and spatial information, amino acid conservation, physicochemical variation, residue mobility, and thermodynamic stability) performed at Invitae indicates that this missense variant is not expected to disrupt COQ8A protein function with a negative predictive value of 95%. In summary, the available evidence is currently insufficient to determine the role of this variant in disease. Therefore, it has been classified as a Variant of Uncertain Significance.

Breakthrough Genomics
Classification: Uncertain significance. Review status: criteria provided, single submitter. Criteria: ACMG Guidelines, 2015. Collection method: not provided. Allele origin: germline. Inheritance: Autosomal recessive inheritance. Affected: yes.